The following is an entry in ClinVar:

ClinVar aggregate classification (germline): Uncertain significance (1 of 4 stars; one submission).

Conditions:
Hereditary cancer-predisposing syndrome. Also called: Neoplastic Syndromes, Hereditary; Tumor predisposition; Hereditary neoplastic syndrome; Hereditary Cancer Syndrome. Identifiers: Orphanet 140162, MedGen C0027672, MeSH D009386, MONDO:0015356.

Allele frequency attached by ClinVar (database versions not stated): gnomAD exomes below 0.00001.

Submission:

Ambry Genetics
Classification: Uncertain significance for Hereditary cancer-predisposing syndrome. Last evaluated: 2024-02-25. Review status: criteria provided, single submitter. Criteria: Ambry Variant Classification Scheme 2023. Collection method: clinical testing. Allele origin: germline.
Comment: The p.M153V variant (also known as c.457A>G), located in coding exon 1 of the GREM1 gene, results from an A to G substitution at nucleotide position 457. The methionine at codon 153 is replaced by valine, an amino acid with highly similar properties. This amino acid position is conserved. In addition, this alteration is predicted to be tolerated by in silico analysis. Based on the available evidence, the clinical significance of this alteration remains unclear.

NM_013372.7(GREM1):c.457A>G (p.Met153Val)

Gene: GREM1 (gremlin 1, DAN family BMP antagonist; plus strand). Cytogenetic location: 15q13.3.
Variant type: single nucleotide variant.
Coding change: c.457A>G on transcript NM_013372.7 (MANE Select); coding-DNA position 457, A replaced by G.
Protein change: p.Met153Val; replaces methionine 153 with valine.
Molecular consequence: missense variant.
Genome position (GRCh38, 1-based): chr15:32,731,147, A>G. VCF-style: chr15-32731147-A-G. GRCh37 (hg19) VCF-style: chr15-33023348-A-G.
Other names: c.247A>G, p.Met83Val (NM_001191322.2); c.334A>G, p.Met112Val (NM_001191323.2); c.457A>G, p.Met153Val (NM_001368719.1); short protein forms M112V, M153V, M83V.
Identifiers: ClinVar variation 3226268 (VCV003226268.1), dbSNP rs2548708011, ClinGen allele CA391557997.
Genomic context (GRCh38, chr15:32,731,147, plus strand): 5'-AAGGAGGAAGGTTCCTTTCAGTCCTGCTCCTTCTGCAAGCCCAAGAAATTCACTACCATG[A>G]TGGTCACACTCAACTGCCCTGAACTACAGCCACCTACCAAGAAGAAGAGAGTCACACGTG-3'
Protein context (NP_037504.1, residues 143-163): FCKPKKFTTM[Met153Val]VTLNCPELQP